The following is an entry in ClinVar:

NM_001330260.2(SCN8A):c.3739A>T (p.Met1247Leu)

Gene: SCN8A (sodium voltage-gated channel alpha subunit 8; plus strand). Cytogenetic location: 12q13.13.
Variant type: single nucleotide variant.
Coding change: c.3739A>T on transcript NM_001330260.2 (MANE Select); coding-DNA position 3739, A replaced by T.
Protein change: p.Met1247Leu; replaces methionine 1247 with leucine.
Molecular consequence: missense variant.
Genome position (GRCh38, 1-based): chr12:51,774,282, A>T. VCF-style: chr12-51774282-A-T. GRCh37 (hg19) VCF-style: chr12-52168066-A-T.
Other names: c.3739A>T, p.Met1247Leu (NM_001177984.3, NM_001369788.1, NM_014191.4); short protein forms M1247L.
Identifiers: ClinVar variation 2505887 (VCV002505887.1), dbSNP rs1327733187, ClinGen allele CA384899279.

ClinVar aggregate classification (germline): Likely pathogenic (1 of 4 stars; one submission).

Submission:

GeneDx
Classification: Likely pathogenic. Last evaluated: 2023-06-14. Review status: criteria provided, single submitter. Criteria: GeneDx Variant Classification Process June 2021. Collection method: clinical testing. Allele origin: germline. Affected: yes.
Comment: Not observed at significant frequency in large population cohorts (gnomAD); In silico analysis supports that this missense variant has a deleterious effect on protein structure/function; Missense variants in this gene are often considered pathogenic (HGMD); This substitution is predicted to be within the transmembrane segment S2 of the third homologous domain; Has not been previously published as pathogenic or benign to our knowledge